The following is an entry in ClinVar:

NM_031407.7(HUWE1):c.8078G>A (p.Arg2693His)

Gene: HUWE1 (HECT, UBA and WWE domain containing E3 ubiquitin protein ligase 1; minus strand). Cytogenetic location: Xp11.22.
Variant type: single nucleotide variant.
Coding change: c.8078G>A on transcript NM_031407.7 (MANE Select); coding-DNA position 8078, G replaced by A.
Protein change: p.Arg2693His; replaces arginine 2693 with histidine.
Molecular consequence: missense variant.
Genome position (GRCh38, 1-based): chrX:53,558,737, C>T on the plus strand (G>A on the coding strand, the complement: HUWE1 is on the minus strand). VCF-style: chrX-53558737-C-T. GRCh37 (hg19) VCF-style: chrX-53585698-C-T.
Other names: short protein forms R2693H.
Identifiers: ClinVar variation 2508217 (VCV002508217.2), dbSNP rs1046310463, ClinGen allele CA329189997.

ClinVar aggregate classification (germline): Uncertain significance (1 of 4 stars; one submission).

Conditions:
Inborn genetic diseases. Identifiers: MedGen C0950123, MeSH D030342.

Allele frequency attached by ClinVar (database versions not stated): gnomAD 0.00001; TOPMed 0.00002.

Submission:

Ambry Genetics
Classification: Uncertain significance for Inborn genetic diseases. Last evaluated: 2023-06-07. Review status: criteria provided, single submitter. Criteria: Ambry Variant Classification Scheme 2023. Collection method: clinical testing. Allele origin: germline.
Comment: The c.8078G>A (p.R2693H) alteration is located in exon 59 (coding exon 56) of the HUWE1 gene. This alteration results from a G to A substitution at nucleotide position 8078, causing the arginine (R) at amino acid position 2693 to be replaced by a histidine (H). This variant was not reported in population-based cohorts in the Genome Aggregation Database (gnomAD). This amino acid position is highly conserved in available vertebrate species. This alteration is predicted to be tolerated by in silico analysis. Based on insufficient or conflicting evidence, the clinical significance of this alteration remains unclear.